The following is an entry in ClinVar:

NM_138694.4(PKHD1):c.8064_8065insTT (p.Asp2689fs)

Gene: PKHD1 (PKHD1 ciliary IPT domain containing fibrocystin/polyductin; minus strand). Cytogenetic location: 6p12.2.
Variant type: Insertion.
Coding change: c.8064_8065insTT on transcript NM_138694.4 (MANE Select); coding-DNA positions 8064 to 8065, TT inserted.
Protein change: p.Asp2689fs; shifts the reading frame from aspartic acid 2689.
Molecular consequence: frameshift variant.
Genome position: GRCh38 VCF-style: chr6-51847817-C-CAA. GRCh37 (hg19) VCF-style: chr6-51712615-C-CAA.
Other names: c.8064_8065insTT, p.Asp2689fs (NM_170724.3); short protein forms D2689fs.
Identifiers: ClinVar variation 4816758 (VCV004816758.1).

ClinVar aggregate classification (germline): Likely pathogenic (1 of 4 stars; one submission).

Conditions:
Autosomal recessive polycystic kidney disease (ARPKD). Also called: AR polycystic kidney disease. Identifiers: Orphanet 731, Orphanet 8378, MedGen C0085548, MeSH D017044, MONDO:0009889.

Submission:

Natera, Inc.
Classification: Likely pathogenic for Autosomal recessive polycystic kidney disease. Last evaluated: 2024-08-06. Review status: criteria provided, single submitter. Criteria: Natera Variant Classification Schema (03/2026). Collection method: clinical testing. Allele origin: germline.
Comment: The c.8064_8065insTT variant in PKHD1 is a frameshift variant predicted to shift the reading frame beginning at codon 2689 and leads to a stop codon 9 codons downstream. This variant is expected to result in nonsense mediated decay, truncation, or a dysfunctional protein product. This variant is rare in the general population with a frequency below the threshold expected for the associated phenotype(s). Given the available evidence, this variant is classified as Likely Pathogenic.